The following is an entry in ClinVar:

ClinVar aggregate classification (germline): Uncertain significance (1 of 4 stars; one submission).

Allele frequency attached by ClinVar (database versions not stated): gnomAD 0.00001; TOPMed below 0.00001.
gnomAD v4.1: 19 of 1,328,786 alleles (0.0014%); highest among the groups gnomAD compares: Admixed American, 0.012%; 1 homozygote.

Submission:

Labcorp Genetics (formerly Invitae), Labcorp
Classification: Uncertain significance. Last evaluated: 2024-09-01. Review status: criteria provided, single submitter. Criteria: Invitae Variant Classification Sherloc (09022015). Collection method: clinical testing. Allele origin: germline.
Comment: This sequence change replaces alanine, which is neutral and non-polar, with threonine, which is neutral and polar, at codon 91 of the DEAF1 protein (p.Ala91Thr). The frequency data for this variant in the population databases is considered unreliable, as metrics indicate poor data quality at this position in the gnomAD database. This variant has not been reported in the literature in individuals affected with DEAF1-related conditions. ClinVar contains an entry for this variant (Variation ID: 2078481). Invitae Evidence Modeling of protein sequence and biophysical properties (such as structural, functional, and spatial information, amino acid conservation, physicochemical variation, residue mobility, and thermodynamic stability) indicates that this missense variant is not expected to disrupt DEAF1 protein function with a negative predictive value of 80%. In summary, the available evidence is currently insufficient to determine the role of this variant in disease. Therefore, it has been classified as a Variant of Uncertain Significance.

NM_021008.4(DEAF1):c.271G>A (p.Ala91Thr)

Gene: DEAF1 (DEAF1 transcription factor; minus strand). Cytogenetic location: 11p15.5.
Variant type: single nucleotide variant.
Coding change: c.271G>A on transcript NM_021008.4 (MANE Select); coding-DNA position 271, G replaced by A.
Protein change: p.Ala91Thr; replaces alanine 91 with threonine.
Molecular consequence: missense variant. On other transcripts: intron variant (1).
Genome position (GRCh38, 1-based): chr11:694,777, C>T on the plus strand (G>A on the coding strand, the complement: DEAF1 is on the minus strand). VCF-style: chr11-694777-C-T. GRCh37 (hg19) VCF-style: chr11-694777-C-T.
Other names: c.271G>A, p.Ala91Thr (NM_001293634.2); c.-437-3179G>A (NM_001367390.1); short protein forms A91T.
Identifiers: ClinVar variation 2078481 (VCV002078481.4), dbSNP rs1361008095, ClinGen allele CA378938998.